The following is an entry in ClinVar:

ClinVar aggregate classification (germline): Uncertain significance (1 of 4 stars; one submission).

Allele frequency attached by ClinVar (database versions not stated): ExAC 0.00001; gnomAD 0.00001; gnomAD exomes 0.00001; TOPMed 0.00002.
gnomAD v4.1: 20 of 1,614,026 alleles (0.0012%); highest among the groups gnomAD compares: East Asian, 0.0022%; no homozygotes.

Submission:

Labcorp Genetics (formerly Invitae), Labcorp
Classification: Uncertain significance. Last evaluated: 2022-10-14. Review status: criteria provided, single submitter. Criteria: Invitae Variant Classification Sherloc (09022015). Collection method: clinical testing. Allele origin: germline.
Comment: This variant is present in population databases (rs758954176, gnomAD 0.007%). This sequence change replaces arginine, which is basic and polar, with glutamine, which is neutral and polar, at codon 86 of the YWHAG protein (p.Arg86Gln). This variant has not been reported in the literature in individuals affected with YWHAG-related conditions. In summary, the available evidence is currently insufficient to determine the role of this variant in disease. Therefore, it has been classified as a Variant of Uncertain Significance. Advanced modeling of protein sequence and biophysical properties (such as structural, functional, and spatial information, amino acid conservation, physicochemical variation, residue mobility, and thermodynamic stability) performed at Invitae indicates that this missense variant is not expected to disrupt YWHAG protein function.

NM_012479.4(YWHAG):c.257G>A (p.Arg86Gln)

Gene: YWHAG (tyrosine 3-monooxygenase/tryptophan 5-monooxygenase activation protein gamma; minus strand). Cytogenetic location: 7q11.23.
Variant type: single nucleotide variant.
Coding change: c.257G>A on transcript NM_012479.4 (MANE Select); coding-DNA position 257, G replaced by A.
Protein change: p.Arg86Gln; replaces arginine 86 with glutamine.
Molecular consequence: missense variant.
Genome position (GRCh38, 1-based): chr7:76,330,064, C>T on the plus strand (G>A on the coding strand, the complement: YWHAG is on the minus strand). VCF-style: chr7-76330064-C-T. GRCh37 (hg19) VCF-style: chr7-75959381-C-T.
Other names: short protein forms R86Q.
Identifiers: ClinVar variation 2109351 (VCV002109351.4), dbSNP rs758954176, ClinGen allele CA4306553.